The following is an entry in ClinVar:

ClinVar aggregate classification (germline): Pathogenic. Review status: criteria provided, multiple submitters, no conflicts (2 of 4 stars). 3 submissions from 3 submitters: Pathogenic (3). Last evaluated 2021-08-12.

Conditions:
Landau-Kleffner syndrome (FESD). Also called: EPILEPSY, FOCAL, WITH SPEECH DISORDER AND WITH OR WITHOUT MENTAL RETARDATION; APHASIA, ACQUIRED, WITH EPILEPSY. Identifiers: Orphanet 1945, Orphanet 725, Orphanet 98818, MedGen C0282512, MONDO:0009509, OMIM 245570.
Inborn genetic diseases. Identifiers: MedGen C0950123, MeSH D030342.

Submissions (3):

Labcorp Genetics (formerly Invitae), Labcorp
Classification: Pathogenic for Landau-Kleffner syndrome. Last evaluated: 2021-08-12. Review status: criteria provided, single submitter. Criteria: Invitae Variant Classification Sherloc (09022015). Collection method: clinical testing. Allele origin: germline.
Comment: This sequence change creates a premature translational stop signal (p.Ala33Argfs*105) in the GRIN2A gene. It is expected to result in an absent or disrupted protein product. Loss-of-function variants in GRIN2A are known to be pathogenic (PMID: 23933819, 23933820). This variant is not present in population databases (ExAC no frequency). This variant has not been reported in the literature in individuals with GRIN2A-related conditions. ClinVar contains an entry for this variant (Variation ID: 522057). For these reasons, this variant has been classified as Pathogenic.

Genetics Laboratory, UDIAT-Centre Diagnòstic, Hospital Universitari Parc Tauli
Classification: Pathogenic. Last evaluated: 2021-04-26. Review status: criteria provided, single submitter. Criteria: Parc Tauli Hospital Assertion Criteria 2021. Collection method: clinical testing. Allele origin: maternal. Inheritance: Autosomal dominant inheritance. Affected: yes. Observed: 1 heterozygote.
Comment: PVS1_very strong;PM2_supporting;PP5_supporting

Ambry Genetics
Classification: Pathogenic for Inborn genetic diseases. Last evaluated: 2017-10-06. Review status: criteria provided, single submitter. Criteria: Ambry exome assertion method (8-5-2015). Collection method: clinical testing. Allele origin: germline. Affected: yes. Observed: 1 variant allele.

Literature cited by the submitters: PubMed 23933819 (cited by Labcorp Genetics (formerly Invitae), Labcorp); PubMed 23933820 (cited by Labcorp Genetics (formerly Invitae), Labcorp).

NM_001134407.3(GRIN2A):c.96dup (p.Ala33fs)

Gene: GRIN2A (glutamate ionotropic receptor NMDA type subunit 2A; minus strand). Cytogenetic location: 16p13.2.
Variant type: Duplication.
Coding change: c.96dup on transcript NM_001134407.3 (MANE Select); coding-DNA position 96, one base duplicated (C; older notation c.96dupC).
Protein change: p.Ala33fs; shifts the reading frame from alanine 33.
Molecular consequence: frameshift variant.
Genome position (GRCh38, 1-based): chr16:10,180,316, G duplicated on the plus strand (C on the coding strand, the reverse complement: GRIN2A is on the minus strand); the first of 6 consecutive G bases (chr16:10,180,316-10,180,321); duplicating any one gives the same sequence. VCF-style (leftmost placement, unchanged base first): chr16-10180315-C-CG. GRCh37 (hg19) VCF-style: chr16-10274172-C-CG.
Other names: c.96dup, p.Ala33fs (NM_000833.5, NM_001134408.2); short protein forms A33fs.
Identifiers: ClinVar variation 522057 (VCV000522057.11), dbSNP rs1555491538, ClinGen allele CA621175257.
Genomic context (GRCh38, chr16:10,180,315, plus strand): 5'-TTCGAAGTTCGCGCTCTGTCACGTCGTGGCTGTGACCCAGCATCACCGCAATATTTAGCG[C>CG]GGGGGGACCCTTCTCCGCCGCCGCGCTCGGCGCCGGACCGCGCCAGACCAGAAGGGCCGG-3'